The following is an entry in ClinVar:

NM_014141.6(CNTNAP2):c.3193C>G (p.Leu1065Val)

Gene: CNTNAP2 (contactin associated protein 2; plus strand). Cytogenetic location: 7q36.1.
Variant type: single nucleotide variant.
Coding change: c.3193C>G on transcript NM_014141.6 (MANE Select); coding-DNA position 3193, C replaced by G.
Protein change: p.Leu1065Val; replaces leucine 1065 with valine.
Molecular consequence: missense variant.
Genome position (GRCh38, 1-based): chr7:148,217,470, C>G. VCF-style: chr7-148217470-C-G. GRCh37 (hg19) VCF-style: chr7-147914562-C-G.
Other names: short protein forms L1065V.
Identifiers: ClinVar variation 1728693 (VCV001728693.2), dbSNP rs146225600, ClinGen allele CA4546570.

ClinVar aggregate classification (germline): Uncertain significance (1 of 4 stars; one submission).

Conditions:
Inborn genetic diseases. Identifiers: MedGen C0950123, MeSH D030342.

gnomAD v4.1: 55 of 1,614,096 alleles (0.0034%); highest among the groups gnomAD compares: Non-Finnish European, 0.0045%; no homozygotes.

Submission:

Ambry Genetics
Classification: Uncertain significance for Inborn genetic diseases. Last evaluated: 2018-02-07. Review status: criteria provided, single submitter. Criteria: Ambry Variant Classification Scheme 2023. Collection method: clinical testing. Allele origin: germline.
Comment: The p.L1065V variant (also known as c.3193C>G), located in coding exon 19 of the CNTNAP2 gene, results from a C to G substitution at nucleotide position 3193. The leucine at codon 1065 is replaced by valine, an amino acid with highly similar properties. This amino acid position is not well conserved in available vertebrate species. In addition, the in silico prediction for this alteration is inconclusive. Since supporting evidence is limited at this time, the clinical significance of this alteration remains unclear.